The following is an entry in ClinVar:

NM_000091.5(COL4A3):c.1270G>T (p.Gly424Cys)

Genes: COL4A3 (collagen type IV alpha 3 chain; plus strand), MFF-DT (MFF divergent transcript; minus strand). Cytogenetic location: 2q36.3.
Variant type: single nucleotide variant.
Coding change: c.1270G>T on transcript NM_000091.5 (MANE Select); coding-DNA position 1270, G replaced by T.
Protein change: p.Gly424Cys; replaces glycine 424 with cysteine.
Molecular consequence: missense variant.
Genome position (GRCh38, 1-based): chr2:227,263,899, G>T. VCF-style: chr2-227263899-G-T. GRCh37 (hg19) VCF-style: chr2-228128615-G-T.
Other names: short protein forms G424C.
Identifiers: ClinVar variation 1324117 (VCV001324117.6), dbSNP rs776919202, ClinGen allele CA2146594.

ClinVar aggregate classification (germline): Conflicting classifications of pathogenicity. Review status: criteria provided, conflicting classifications (1 of 4 stars). 3 submissions from 3 submitters: Likely pathogenic (2); Uncertain significance (1). Last evaluated 2025-08-22.

Conditions:
Alport syndrome. Also called: Hemorrhagic familial nephritis; Hemorrhagic hereditary nephritis; Congenital hereditary hematuria. Identifiers: Orphanet 63, MedGen C1567741, MONDO:0018965.

Allele frequency attached by ClinVar (database versions not stated): gnomAD exomes below 0.00001; TOPMed below 0.00001; ExAC 0.00001; gnomAD 0.00001.
gnomAD v4.1: 4 of 1,614,056 alleles (0.00025%); highest among the groups gnomAD compares: African/African-American, 0.004%; no homozygotes.

Submissions (3):

Natera, Inc.
Classification: Likely pathogenic for Alport syndrome. Last evaluated: 2025-08-22. Review status: criteria provided, single submitter. Criteria: Natera Variant Classification Schema (03/2026). Collection method: clinical testing. Allele origin: germline.
Comment: The c.1270G>T variant in COL4A3 is a missense variant predicted to cause substitution of glycine to cysteine at amino acid 424. This variant is rare in the general population with a frequency below the threshold expected for the associated phenotype(s). This variant is located in a functionally critical region of the protein. Computational prediction algorithms indicate this variant is likely to affect gene or protein function. Given the available evidence, this variant is classified as Likely Pathogenic.

Labcorp Genetics (formerly Invitae), Labcorp
Classification: Uncertain significance. Last evaluated: 2022-09-06. Review status: criteria provided, single submitter. Criteria: Invitae Variant Classification Sherloc (09022015). Collection method: clinical testing. Allele origin: germline.
Comment: This sequence change replaces glycine, which is neutral and non-polar, with cysteine, which is neutral and slightly polar, at codon 424 of the COL4A3 protein (p.Gly424Cys). This variant is present in population databases (rs776919202, gnomAD 0.007%). This variant has not been reported in the literature in individuals affected with COL4A3-related conditions. ClinVar contains an entry for this variant (Variation ID: 1324117). Advanced modeling of protein sequence and biophysical properties (such as structural, functional, and spatial information, amino acid conservation, physicochemical variation, residue mobility, and thermodynamic stability) performed at Invitae indicates that this missense variant is expected to disrupt COL4A3 protein function. In summary, the available evidence is currently insufficient to determine the role of this variant in disease. Therefore, it has been classified as a Variant of Uncertain Significance.

Revvity Omics, Revvity
Classification: Likely pathogenic. Last evaluated: 2019-11-25. Review status: criteria provided, single submitter. Criteria: ACMG Guidelines, 2015. Collection method: clinical testing. Allele origin: germline.